The following is an entry in ClinVar:

NM_194318.4(B3GLCT):c.733G>A (p.Val245Met)

Gene: B3GLCT (beta 3-glucosyltransferase; plus strand). Cytogenetic location: 13q12.3.
Variant type: single nucleotide variant.
Coding change: c.733G>A on transcript NM_194318.4 (MANE Select); coding-DNA position 733, G replaced by A.
Protein change: p.Val245Met; replaces valine 245 with methionine.
Molecular consequence: missense variant.
Genome position (GRCh38, 1-based): chr13:31,274,581, G>A. VCF-style: chr13-31274581-G-A. GRCh37 (hg19) VCF-style: chr13-31848718-G-A.
Other names: short protein forms V245M.
Identifiers: ClinVar variation 96630 (VCV000096630.47), dbSNP rs34830061, ClinGen allele CA248688.

ClinVar aggregate classification (germline): Benign/Likely benign. Review status: criteria provided, multiple submitters, no conflicts (2 of 4 stars). 8 submissions from 8 submitters: Benign (3); Likely benign (5). Last evaluated 2026-01-29.

Conditions:
Peters plus syndrome. Also called: KRAUSE-KIVLIN SYNDROME. Identifiers: Orphanet 709, MedGen C0796012, MONDO:0009856, OMIM 261540.

Allele frequency attached by ClinVar (database versions not stated): 1000 Genomes Project 0.00439; 1000 Genomes Project 30x 0.00453; ESP Exome Variant Server 0.00531; gnomAD 0.00488 and 0.00490; TOPMed 0.00520; ExAC 0.00696.
gnomAD v4.1: 10,954 of 1,614,160 alleles (0.68%); highest among the groups gnomAD compares: Middle Eastern, 1.2%; 71 homozygotes.

Submissions (8):

Labcorp Genetics (formerly Invitae), Labcorp
Classification: Benign for Peters plus syndrome. Last evaluated: 2026-01-29. Review status: criteria provided, single submitter. Criteria: Invitae Variant Classification Sherloc (09022015). Collection method: clinical testing. Allele origin: germline.

CeGaT Center for Human Genetics Tuebingen
Classification: Likely benign. Last evaluated: 2025-09-01. Review status: criteria provided, single submitter. Criteria: CeGaT Center For Human Genetics Tuebingen Variant Classification Criteria Version 2. Collection method: clinical testing. Allele origin: germline. Affected: yes. Observed: 26 variant alleles.
Comment: B3GLCT: BP4, BS2

GeneDx
Classification: Likely benign. Last evaluated: 2020-05-18. Review status: criteria provided, single submitter. Criteria: GeneDx Variant Classification Process June 2021. Collection method: clinical testing. Allele origin: germline. Affected: yes.

Illumina Laboratory Services, Illumina
Classification: Likely benign for Peters plus syndrome. Last evaluated: 2018-01-12. Review status: criteria provided, single submitter. Criteria: ICSL Variant Classification Criteria 13 December 2019. Collection method: clinical testing. Allele origin: germline.
Comment: This variant was observed in the ICSL laboratory as part of a predisposition screen in an ostensibly healthy population. It had not been previously curated by ICSL or reported in the Human Gene Mutation Database (HGMD: prior to June 1st, 2018), and was therefore a candidate for classification through an automated scoring system. Utilizing variant allele frequency, disease prevalence and penetrance estimates, and inheritance mode, an automated score was calculated to assess if this variant is too frequent to cause the disease. Based on the score and internal cut-off values, a variant classified as likely benign is not then subjected to further curation. The score for this variant resulted in a classification of likely benign for this disease.

Center for Pediatric Genomic Medicine, Children's Mercy Hospital and Clinics
Classification: Likely benign. Last evaluated: 2017-09-25. Review status: criteria provided, single submitter. Criteria: ACMG Guidelines, 2015. Collection method: clinical testing. Allele origin: germline.

Genomic Diagnostic Laboratory, Division of Genomic Diagnostics, Children's Hospital of Philadelphia
Classification: Benign. Last evaluated: 2015-02-16. Review status: criteria provided, single submitter. Criteria: DGD Variant Analysis Guidelines. Collection method: clinical testing. Allele origin: unknown.

Eurofins Ntd Llc (ga)
Classification: Benign. Last evaluated: 2013-04-16. Review status: criteria provided, single submitter. Criteria: EGL Classification Definitions 2015. Collection method: clinical testing. Allele origin: germline. Observed: 4 variant alleles, 4 heterozygotes.

Breakthrough Genomics
Classification: Likely benign. Review status: criteria provided, single submitter. Criteria: ACMG Guidelines, 2015. Collection method: not provided. Allele origin: germline. Inheritance: Autosomal recessive inheritance. Affected: yes.